The following is an entry in ClinVar:

NM_004074.3(COX8A):c.163_164delinsTT (p.Ala55Leu)

Gene: COX8A (cytochrome c oxidase subunit 8A; plus strand). Cytogenetic location: 11q13.1.
Variant type: Indel.
Coding change: c.163_164delinsTT on transcript NM_004074.3 (MANE Select); coding-DNA positions 163 to 164, GC replaced by TT.
Protein change: p.Ala55Leu; replaces alanine 55 with leucine.
Molecular consequence: missense variant.
Genome position (GRCh38, 1-based): chr11:63,976,273-63,976,274, GC replaced by TT. VCF-style: chr11-63976273-GC-TT. GRCh37 (hg19) VCF-style: chr11-63743745-GC-TT.
Other names: short protein forms A55L.
Identifiers: ClinVar variation 3724724 (VCV003724724.2).
Genomic context (GRCh38, chr11:63,976,273, plus strand): 5'-TGCTCTGTGTAGGAATTGGCCGTTGGGCTTACCTCCTGCTTCGTGACCTTCCTCCTGCCA[GC>TT]GGGCTGGATCCTGTCACACCTGGAGACCTACAGGAGGCCAGAGTGAAGGGGTCCGTTCTG-3'
Protein context (NP_004065.1, residues 45-65): TSCFVTFLLP[Ala55Leu]GWILSHLETY

ClinVar aggregate classification (germline): Uncertain significance (1 of 4 stars; one submission).

Submission:

Labcorp Genetics (formerly Invitae), Labcorp
Classification: Uncertain significance. Last evaluated: 2025-03-18. Review status: criteria provided, single submitter. Criteria: Invitae Variant Classification Sherloc (09022015). Collection method: clinical testing. Allele origin: germline.
Comment: This sequence change replaces alanine, which is neutral and non-polar, with leucine, which is neutral and non-polar, at codon 55 of the COX8A protein (p.Ala55Leu). Information on the frequency of this variant in the gnomAD database is not available, as this variant may be reported differently in the database. This variant has not been reported in the literature in individuals affected with COX8A-related conditions. An algorithm developed to predict the effect of missense changes on protein structure and function (PolyPhen-2) suggests that this variant is likely to be disruptive. In summary, the available evidence is currently insufficient to determine the role of this variant in disease. Therefore, it has been classified as a Variant of Uncertain Significance.